The following is an entry in ClinVar:

NM_001082971.2(DDC):c.139C>A (p.Pro47Thr)

Gene: DDC (dopa decarboxylase; minus strand). Cytogenetic location: 7p12.1.
Variant type: single nucleotide variant.
Coding change: c.139C>A on transcript NM_001082971.2 (MANE Select); coding-DNA position 139, C replaced by A.
Protein change: p.Pro47Thr; replaces proline 47 with threonine.
Molecular consequence: missense variant.
Genome position (GRCh38, 1-based): chr7:50,543,947, G>T on the plus strand (C>A on the coding strand, the complement: DDC is on the minus strand). VCF-style: chr7-50543947-G-T. GRCh37 (hg19) VCF-style: chr7-50611645-G-T.
Other names: c.139C>A, p.Pro47Thr (NM_000790.4, NM_001242886.2, NM_001242887.2 and 3 more transcripts); short protein forms P47T.
Identifiers: ClinVar variation 2100208 (VCV002100208.4), dbSNP rs2535520536, ClinGen allele CA367531779.

ClinVar aggregate classification (germline): Uncertain significance (1 of 4 stars; one submission).

Conditions:
Deficiency of aromatic-L-amino-acid decarboxylase. Also called: AADC DEFICIENCY; DDC DEFICIENCY; DOPA DECARBOXYLASE DEFICIENCY; Aromatic L-Amino Acid Decarboxylase Deficiency; Aromatic amino acid decarboxylase deficiency. Identifiers: Orphanet 35708, MedGen C1291564, MONDO:0012084, OMIM 608643.

Submission:

Labcorp Genetics (formerly Invitae), Labcorp
Classification: Uncertain significance for Deficiency of aromatic-L-amino-acid decarboxylase. Last evaluated: 2022-02-20. Review status: criteria provided, single submitter. Criteria: Invitae Variant Classification Sherloc (09022015). Collection method: clinical testing. Allele origin: germline.
Comment: This sequence change replaces proline, which is neutral and non-polar, with threonine, which is neutral and polar, at codon 47 of the DDC protein (p.Pro47Thr). In summary, the available evidence is currently insufficient to determine the role of this variant in disease. Therefore, it has been classified as a Variant of Uncertain Significance. Algorithms developed to predict the effect of missense changes on protein structure and function (SIFT, PolyPhen-2, Align-GVGD) all suggest that this variant is likely to be disruptive. This variant has not been reported in the literature in individuals affected with DDC-related conditions. This variant is not present in population databases (gnomAD no frequency).